The following is an entry in ClinVar:

NM_001363711.2(DUOX2):c.3901C>T (p.Gln1301Ter)

Gene: DUOX2 (dual oxidase 2; minus strand). Cytogenetic location: 15q21.1.
Variant type: single nucleotide variant.
Coding change: c.3901C>T on transcript NM_001363711.2 (MANE Select); coding-DNA position 3901, C replaced by T.
Protein change: p.Gln1301Ter; replaces glutamine 1301 with a stop codon.
Molecular consequence: nonsense.
Genome position (GRCh38, 1-based): chr15:45,096,007, G>A on the plus strand (C>T on the coding strand, the complement: DUOX2 is on the minus strand). VCF-style: chr15-45096007-G-A. GRCh37 (hg19) VCF-style: chr15-45388205-G-A.
Other names: c.3901C>T, p.Gln1301Ter (NM_014080.5); short protein forms Q1301*.
Identifiers: ClinVar variation 2906290 (VCV002906290.5), dbSNP rs768210021, ClinGen allele CA7537694.

ClinVar aggregate classification (germline): Pathogenic/Likely pathogenic. Review status: criteria provided, multiple submitters, no conflicts (2 of 4 stars). 2 submissions from 2 submitters: Pathogenic (1); Likely pathogenic (1). Last evaluated 2025-11-06.

Conditions:
DUOX2-related disorders.

Allele frequency attached by ClinVar (database versions not stated): ExAC 0.00001; gnomAD 0.00005; TOPMed 0.00005.
gnomAD v4.1: 103 of 1,614,142 alleles (0.0064%); highest among the groups gnomAD compares: Admixed American, 0.0083%; no homozygotes.

Submissions (2):

Labcorp Genetics (formerly Invitae), Labcorp
Classification: Pathogenic. Last evaluated: 2025-11-06. Review status: criteria provided, single submitter. Criteria: Invitae Variant Classification Sherloc (09022015). Collection method: clinical testing. Allele origin: germline.
Comment: This sequence change creates a premature translational stop signal (p.Gln1301*) in the DUOX2 gene. It is expected to result in an absent or disrupted protein product. Loss-of-function variants in DUOX2 are known to be pathogenic (PMID: 12110737, 18765513, 21565790, 24423310, 24735383). This variant is present in population databases (rs768210021, gnomAD 0.006%). This variant has not been reported in the literature in individuals affected with DUOX2-related conditions. ClinVar contains an entry for this variant (Variation ID: 2906290). Algorithms developed to predict the effect of sequence changes on RNA splicing suggest that this variant may disrupt the consensus splice site. For these reasons, this variant has been classified as Pathogenic.

Blueprint Genetics
Classification: Likely pathogenic for DUOX2-related disorders. Last evaluated: 2023-01-20. Review status: criteria provided, single submitter. Criteria: ACMG Guidelines, 2015. Collection method: clinical testing. Allele origin: germline. Affected: yes. Observed: 5 variant alleles.

Literature cited by the submitters: PubMed 12110737 (cited by Labcorp Genetics (formerly Invitae), Labcorp); PubMed 18765513 (cited by Labcorp Genetics (formerly Invitae), Labcorp); PubMed 21565790 (cited by Labcorp Genetics (formerly Invitae), Labcorp); PubMed 24423310 (cited by Labcorp Genetics (formerly Invitae), Labcorp); PubMed 24735383 (cited by Labcorp Genetics (formerly Invitae), Labcorp).